The following is an entry in ClinVar:

ClinVar aggregate classification (germline): Uncertain significance. Review status: criteria provided, multiple submitters, no conflicts (2 of 4 stars). 3 submissions from 3 submitters: Uncertain significance (3). Last evaluated 2024-07-07.

Conditions:
Hereditary cancer-predisposing syndrome. Also called: Tumor predisposition; Hereditary Cancer Syndrome; Neoplastic Syndromes, Hereditary; Hereditary neoplastic syndrome. Identifiers: Orphanet 140162, MedGen C0027672, MeSH D009386, MONDO:0015356.
Familial cancer of breast. Also called: BREAST CANCER, FAMILIAL; Hereditary breast cancer; hereditary breast carcinoma. Identifiers: Orphanet 227535, MedGen C0346153, MONDO:0016419, OMIM 114480. Disease mechanism: loss of function.

gnomAD v4.1: 1 of 1,614,240 alleles (0.000062%); no homozygotes.

Submissions (3):

Ambry Genetics
Classification: Uncertain significance for Hereditary cancer-predisposing syndrome. Last evaluated: 2024-07-07. Review status: criteria provided, single submitter. Criteria: Ambry Variant Classification Scheme 2023. Collection method: clinical testing. Allele origin: germline.
Comment: The p.C868R variant (also known as c.2602T>C), located in coding exon 7 of the PALB2 gene, results from a T to C substitution at nucleotide position 2602. The cysteine at codon 868 is replaced by arginine, an amino acid with highly dissimilar properties. This amino acid position is well conserved in available vertebrate species. In addition, the in silico prediction for this alteration is inconclusive. Since supporting evidence is limited at this time, the clinical significance of this alteration remains unclear.

Institute for Biomarker Research, Medical Diagnostic Laboratories, L.L.C.
Classification: Uncertain significance for Hereditary cancer-predisposing syndrome. Last evaluated: 2024-04-09. Review status: criteria provided, single submitter. Criteria: ACMG Guidelines, 2015. Collection method: clinical testing. Allele origin: germline.

Labcorp Genetics (formerly Invitae), Labcorp
Classification: Uncertain significance for Familial cancer of breast. Last evaluated: 2022-05-12. Review status: criteria provided, single submitter. Criteria: Invitae Variant Classification Sherloc (09022015). Collection method: clinical testing. Allele origin: germline.
Comment: ClinVar contains an entry for this variant (Variation ID: 821557). In summary, the available evidence is currently insufficient to determine the role of this variant in disease. Therefore, it has been classified as a Variant of Uncertain Significance. Algorithms developed to predict the effect of missense changes on protein structure and function (SIFT, PolyPhen-2, Align-GVGD) all suggest that this variant is likely to be disruptive. This variant has not been reported in the literature in individuals affected with PALB2-related conditions. This variant is not present in population databases (gnomAD no frequency). This sequence change replaces cysteine, which is neutral and slightly polar, with arginine, which is basic and polar, at codon 868 of the PALB2 protein (p.Cys868Arg).

NM_024675.4(PALB2):c.2602T>C (p.Cys868Arg)

Gene: PALB2 (partner and localizer of BRCA2; minus strand). Cytogenetic location: 16p12.2.
Variant type: single nucleotide variant.
Coding change: c.2602T>C on transcript NM_024675.4 (MANE Select); coding-DNA position 2602, T replaced by C.
Protein change: p.Cys868Arg; replaces cysteine 868 with arginine.
Molecular consequence: missense variant.
Genome position (GRCh38, 1-based): chr16:23,626,382, A>G on the plus strand (T>C on the coding strand, the complement: PALB2 is on the minus strand). VCF-style: chr16-23626382-A-G. GRCh37 (hg19) VCF-style: chr16-23637703-A-G.
Other names: short protein forms C868R.
Identifiers: ClinVar variation 821557 (VCV000821557.11), dbSNP rs1555460026, ClinGen allele CA395122237.